The following continues an entry in ClinVar:

NM_000257.4(MYH7):c.2572C>T (p.Arg858Cys)

ClinVar aggregate classification (germline): Pathogenic/Likely pathogenic. Pathogenic (11); Likely pathogenic (18).

Submissions 20 to 29 of 29:

Fulgent Genetics
Classification: Likely pathogenic for MYH7-related skeletal myopathy; Myosin storage myopathy; Hypertrophic cardiomyopathy 1; Myopathy, myosin storage, autosomal recessive; Congenital myopathy 4A, autosomal dominant; Dilated cardiomyopathy 1S. Last evaluated: 2022-04-14. Review status: criteria provided, single submitter. Criteria: ACMG Guidelines, 2015. Collection method: clinical testing. Allele origin: unknown.

AiLife Diagnostics
Classification: Likely pathogenic. Last evaluated: 2021-09-30. Review status: criteria provided, single submitter. Criteria: ACMG Guidelines, 2015. Collection method: clinical testing. Allele origin: germline. Affected: yes. Observed: 1 variant allele.

CHEO Genetics Diagnostic Laboratory, Children's Hospital of Eastern Ontario
Classification: Pathogenic for Cardiomyopathy. Last evaluated: 2021-09-20. Review status: criteria provided, single submitter. Criteria: ACMG Guidelines, 2015. Collection method: clinical testing. Allele origin: germline.

Revvity Omics, Revvity
Classification: Likely pathogenic. Last evaluated: 2021-09-05. Review status: criteria provided, single submitter. Criteria: ACMG Guidelines, 2015. Collection method: clinical testing. Allele origin: germline.

Center for Human Genetics, University of Leuven
Classification: Likely pathogenic for Hypertrophic cardiomyopathy. Last evaluated: 2018-10-31. Review status: criteria provided, single submitter. Criteria: ACMG Guidelines, 2015. Collection method: clinical testing. Allele origin: germline. Affected: yes.

Phosphorus, Inc.
Classification: Likely pathogenic for Hypertrophic cardiomyopathy 1. Last evaluated: 2017-08-01. Review status: criteria provided, single submitter. Criteria: ACMG Guidelines, 2015. Collection method: clinical testing. Allele origin: germline. Observed: 1 variant allele.

Centre for Mendelian Genomics, University Medical Centre Ljubljana
Classification: Likely pathogenic for Congenital myopathy 4A, autosomal dominant. Last evaluated: 2016-01-01. Review status: criteria provided, single submitter. Criteria: ACMG Guidelines, 2015. Collection method: clinical testing. Allele origin: unknown. Affected: yes.
Comment: This variant was classified as: Likely pathogenic.

Centre for Mendelian Genomics, University Medical Centre Ljubljana
Classification: Likely pathogenic for Myopathy. Last evaluated: 2015-10-05. Review status: criteria provided, single submitter. Criteria: ACMG Guidelines, 2015. Collection method: clinical testing. Allele origin: unknown. Affected: yes.

Juno Genomics, Hangzhou Juno Genomics, Inc
Classification: Likely pathogenic for Hypertrophic cardiomyopathy 1. Review status: criteria provided, single submitter. Criteria: ACMG Guidelines, 2015. Collection method: clinical testing. Allele origin: germline.
Comment: Located in a mutational hot spot and/or critical and well-established functional domain without benign variation.;The prevalence of the variant in affected individuals is significantly increased compared to the prevalence in controls.;Co-segregation with disease in multiple affected family members.;Assumed de novo, but without confirmation of paternity and maternity.

Laboratory of Genetics and Molecular Cardiology, University of São Paulo
Classification: Likely pathogenic for Hypertrophic cardiomyopathy 1. Review status: criteria provided, single submitter. Criteria: LGCM Criteria August 2015. Collection method: clinical testing. Allele origin: germline. Inheritance: Autosomal dominant inheritance. Affected: yes. Observed: 1 variant allele. Study: Sarcomeric Human Cardiomyopathy Registry (ShaRe).

Literature cited by the submitters: PubMed 20975235 (cited by 5 submitters); PubMed 24093860 (cited by 5 submitters); PubMed 24111713 (cited by 3 submitters); PubMed 24793961 (cited by 5 submitters); PubMed 25086479 (cited by 6 submitters); PubMed 25611685 (cited by Ambry Genetics and Phosphorus, Inc.); PubMed 26187847 (cited by Ambry Genetics and Laboratory for Molecular Medicine, Mass General Brigham Personalized Medicine); PubMed 27247418 (cited by 6 submitters); PubMed 27532257 (cited by 7 submitters); PubMed 28498465 (cited by 7 submitters); PubMed 31513939 (cited by 5 submitters); PubMed 31589614 (cited by Ambry Genetics and AiLife Diagnostics); PubMed 32894683 (cited by Ambry Genetics); PubMed 34542152 (cited by 3 submitters); PubMed 35653365 (cited by 3 submitters); PubMed 36264615 (cited by Ambry Genetics); PubMed 15358028 (cited by 8 submitters); PubMed 16938236 (cited by 5 submitters); PubMed 19149795 (cited by 5 submitters); PubMed 25937619 (cited by 3 submitters); PubMed 28971120 (cited by Color Diagnostics, LLC DBA Color Health and All of Us Research Program, National Institutes of Health); PubMed 33495597 (cited by Color Diagnostics, LLC DBA Color Health); PubMed 22958901 (cited by Laboratory for Molecular Medicine, Mass General Brigham Personalized Medicine).